The following is an entry in ClinVar:

ClinVar aggregate classification (germline): Likely pathogenic (1 of 4 stars; one submission).

Conditions:
Facioscapulohumeral muscular dystrophy 2 (FSHD2). Also called: FACIOSCAPULOHUMERAL MUSCULAR DYSTROPHY 2, DIGENIC; FSHD2, DIGENIC; MUSCULAR DYSTROPHY, FACIOSCAPULOHUMERAL, TYPE 1B. Identifiers: Orphanet 269, MedGen C1834671, MONDO:0008031, OMIM 158901.

gnomAD v4.1: 1 of 1,608,702 alleles (0.000062%); no homozygotes.

Submission:

Labcorp Genetics (formerly Invitae), Labcorp
Classification: Likely pathogenic for Facioscapulohumeral muscular dystrophy 2. Last evaluated: 2025-06-12. Review status: criteria provided, single submitter. Criteria: Invitae Variant Classification Sherloc (09022015). Collection method: clinical testing. Allele origin: germline.
Comment: This sequence change affects an acceptor splice site in intron 11 of the SMCHD1 gene. It is expected to disrupt RNA splicing. Variants that disrupt the donor or acceptor splice site typically lead to a loss of protein function (PMID: 16199547), and loss-of-function variants in SMCHD1 are known to be pathogenic (PMID: 23143600). This variant is not present in population databases (gnomAD no frequency). This variant has not been reported in the literature in individuals affected with SMCHD1-related conditions. Algorithms developed to predict the effect of sequence changes on RNA splicing suggest that this variant may disrupt the consensus splice site. In summary, the currently available evidence indicates that the variant is pathogenic, but additional data are needed to prove that conclusively. Therefore, this variant has been classified as Likely Pathogenic.

Literature cited by the submitters: PubMed 16199547; PubMed 23143600.

NM_015295.3(SMCHD1):c.1464-2A>G

Gene: SMCHD1 (structural maintenance of chromosomes flexible hinge domain containing 1; plus strand). Cytogenetic location: 18p11.32.
Variant type: single nucleotide variant.
Coding change: c.1464-2A>G on transcript NM_015295.3 (MANE Select); the canonical splice acceptor site of the intron before coding-DNA position 1464, A replaced by G.
Molecular consequence: splice acceptor variant.
Genome position (GRCh38, 1-based): chr18:2,700,733, A>G. VCF-style: chr18-2700733-A-G. GRCh37 (hg19) VCF-style: chr18-2700731-A-G.
Identifiers: ClinVar variation 4812181 (VCV004812181.1).